The following is an entry in ClinVar:

NM_133642.5(LARGE1):c.1132-8C>T

Gene: LARGE1 (LARGE xylosyl- and glucuronyltransferase 1; minus strand). Cytogenetic location: 22q12.3.
Variant type: single nucleotide variant.
Coding change: c.1132-8C>T on transcript NM_133642.5 (MANE Select); 8 bases into the intron before coding-DNA position 1132, C replaced by T.
Molecular consequence: intron variant.
Genome position (GRCh38, 1-based): chr22:33,337,809, G>A on the plus strand (C>T on the coding strand, the complement: LARGE1 is on the minus strand). VCF-style: chr22-33337809-G-A. GRCh37 (hg19) VCF-style: chr22-33733795-G-A.
Other names: c.1132-8C>T (NM_001362953.2, NM_001362949.2, NM_001378627.1 and 7 more transcripts); c.1132-21561C>T (NM_001378629.1); c.529-21561C>T (NM_001378631.1); c.529-8C>T (NM_001378630.1).
Identifiers: ClinVar variation 193881 (VCV000193881.15), dbSNP rs748964975, ClinGen allele CA239577.

ClinVar aggregate classification (germline): Conflicting classifications of pathogenicity. Review status: criteria provided, conflicting classifications (1 of 4 stars). 3 submissions from 3 submitters: Uncertain significance (1); Likely benign (1). 1 of the submissions does not count toward it. Last evaluated 2024-03-14.

Conditions:
LARGE1-related disorder. Also called: LARGE1-related condition.
Muscular dystrophy-dystroglycanopathy type B6 (MDDGB6). Also called: MUSCULAR DYSTROPHY-DYSTROGLYCANOPATHY (CONGENITAL WITH IMPAIRED INTELLECTUAL DEVELOPMENT), TYPE B, 6; MUSCULAR DYSTROPHY, CONGENITAL, LARGE-RELATED; MUSCULAR DYSTROPHY, CONGENITAL, TYPE 1D. Identifiers: MedGen C1837229, MONDO:0012138, OMIM 608840.

Allele frequency attached by ClinVar (database versions not stated): gnomAD exomes 0.00001 and 0.00004; ExAC 0.00002; TOPMed 0.00005; gnomAD 0.00002.
gnomAD v4.1: 19 of 1,614,068 alleles (0.0012%); highest among the groups gnomAD compares: East Asian, 0.038%; no homozygotes.

Submissions (3):

Labcorp Genetics (formerly Invitae), Labcorp
Classification: Likely benign for Muscular dystrophy-dystroglycanopathy type B6. Last evaluated: 2024-03-14. Review status: criteria provided, single submitter. Criteria: Invitae Variant Classification Sherloc (09022015). Collection method: clinical testing. Allele origin: germline.

Eurofins Ntd Llc (ga)
Classification: Uncertain significance. Last evaluated: 2015-02-05. Review status: criteria provided, single submitter. Criteria: EGL Classification Definitions 2015. Collection method: clinical testing. Allele origin: germline. Observed: 1 variant allele, 1 heterozygote.

PreventionGenetics, part of Exact Sciences
Classification: Likely benign for LARGE1-related condition. Last evaluated: 2024-02-27. Review status: no assertion criteria provided. Collection method: clinical testing. Allele origin: germline. Not counted in ClinVar's aggregate classification.
Comment: This variant is classified as likely benign based on ACMG/AMP sequence variant interpretation guidelines (Richards et al. 2015 PMID: 25741868, with internal and published modifications).